The following is an entry in ClinVar:

ClinVar aggregate classification (germline): Uncertain significance. Review status: criteria provided, multiple submitters, no conflicts (2 of 4 stars). 3 submissions from 3 submitters: Uncertain significance (3). Last evaluated 2026-03-01.

Conditions:
Myoclonic dystonia 11 (DYT11). Also called: Myoclonic dystonia; Dystonia 11; Dystonia, alcohol responsive; Hereditary essential myoclonus; SGCE Myoclonus-Dystonia; Myoclonus-Dystonia. Identifiers: Orphanet 36899, MedGen C1834570, MONDO:0008044, OMIM 159900.

Allele frequency attached by ClinVar (database versions not stated): gnomAD 0.00001; gnomAD exomes 0.00002 and 0.00006; TOPMed 0.00002; ExAC 0.00009.
gnomAD v4.1: 29 of 1,612,286 alleles (0.0018%); highest among the groups gnomAD compares: Admixed American, 0.015%; no homozygotes.

Submissions (4):

CeGaT Center for Human Genetics Tuebingen
Classification: Uncertain significance. Last evaluated: 2026-03-01. Review status: criteria provided, single submitter. Criteria: CeGaT Center For Human Genetics Tuebingen Variant Classification Criteria Version 2. Collection method: clinical testing. Allele origin: germline. Affected: yes. Observed: 1 variant allele.
Comment: SGCE: PP3

GeneDx
Classification: Uncertain significance. Last evaluated: 2025-01-09. Review status: criteria provided, single submitter. Criteria: GeneDx Variant Classification Process June 2021. Collection method: clinical testing. Allele origin: germline. Affected: yes.
Comment: In silico analysis supports that this missense variant has a deleterious effect on protein structure/function; Has not been previously published as pathogenic or benign to our knowledge

Labcorp Genetics (formerly Invitae), Labcorp
Classification: Uncertain significance for Myoclonic dystonia 11. Last evaluated: 2024-11-13. Review status: criteria provided, single submitter. Criteria: Invitae Variant Classification Sherloc (09022015). Collection method: clinical testing. Allele origin: germline.
Comment: This sequence change replaces arginine, which is basic and polar, with glutamine, which is neutral and polar, at codon 343 of the SGCE protein (p.Arg343Gln). This variant is present in population databases (rs755083075, gnomAD 0.02%). This variant has not been reported in the literature in individuals affected with SGCE-related conditions. ClinVar contains an entry for this variant (Variation ID: 574753). Invitae Evidence Modeling of protein sequence and biophysical properties (such as structural, functional, and spatial information, amino acid conservation, physicochemical variation, residue mobility, and thermodynamic stability) indicates that this missense variant is expected to disrupt SGCE protein function with a positive predictive value of 80%. In summary, the available evidence is currently insufficient to determine the role of this variant in disease. Therefore, it has been classified as a Variant of Uncertain Significance.

Dr. Peter K. Rogan Lab, Western University
No classification provided (evidence only). Condition: Thyroid cancer, nonmedullary, 1. Review status: no classification provided. Collection method: in vitro. Allele origin: not applicable. Functional consequence: retained intron. Not counted in ClinVar's aggregate classification.

NM_003919.3(SGCE):c.1028G>A (p.Arg343Gln)

Genes: CASD1 (CAS1 domain sialic acid O acetyltransferase 1; plus strand), SGCE (sarcoglycan epsilon; minus strand). Cytogenetic location: 7q21.3.
Variant type: single nucleotide variant.
Coding change: c.1028G>A on transcript NM_003919.3 (MANE Select); coding-DNA position 1028, G replaced by A.
Protein change: p.Arg343Gln; replaces arginine 343 with glutamine.
Molecular consequence: missense variant.
Genome position (GRCh38, 1-based): chr7:94,600,655, C>T on the plus strand (G>A on the coding strand, the complement: SGCE is on the minus strand). VCF-style: chr7-94600655-C-T. GRCh37 (hg19) VCF-style: chr7-94229967-C-T.
Other names: c.1028G>A, p.Arg343Gln (NM_001099400.2, NM_001099401.2, NM_001346717.2); c.905G>A, p.Arg302Gln (NM_001301139.2, NM_001362809.2); c.1136G>A, p.Arg379Gln (NM_001346713.2, NM_001346715.2); c.941G>A, p.Arg314Gln (NM_001346719.2, NM_001362807.2); c.755G>A, p.Arg252Gln (NM_001346720.2, NM_001362808.2); short protein forms R343Q, R302Q, R314Q, R252Q, R379Q.
Identifiers: ClinVar variation 574753 (VCV000574753.14), dbSNP rs755083075, ClinGen allele CA4348672.